The following is an entry in ClinVar:

ClinVar aggregate classification (germline): Benign/Likely benign. Review status: criteria provided, multiple submitters, no conflicts (2 of 4 stars). 3 submissions from 3 submitters: Benign (1); Likely benign (2). Last evaluated 2026-02-03.

Allele frequency attached by ClinVar (database versions not stated): gnomAD exomes 0.00030 and 0.00089; ExAC 0.00097; gnomAD 0.00321 and 0.00341; ESP Exome Variant Server 0.00338; 1000 Genomes Project 30x 0.00344; 1000 Genomes Project 0.00359; TOPMed 0.00363.
gnomAD v4.1: 931 of 1,614,224 alleles (0.058%); highest among the groups gnomAD compares: African/African-American, 1.1%; 9 homozygotes.

Submissions (3):

Labcorp Genetics (formerly Invitae), Labcorp
Classification: Benign. Last evaluated: 2026-02-03. Review status: criteria provided, single submitter. Criteria: Invitae Variant Classification Sherloc (09022015). Collection method: clinical testing. Allele origin: germline.

CeGaT Center for Human Genetics Tuebingen
Classification: Likely benign. Last evaluated: 2025-10-01. Review status: criteria provided, single submitter. Criteria: CeGaT Center For Human Genetics Tuebingen Variant Classification Criteria Version 2. Collection method: clinical testing. Allele origin: germline. Affected: yes. Observed: 1 variant allele.
Comment: TRIM8: BP4, BS1

Blueprint Genetics
Classification: Likely benign. Last evaluated: 2024-11-26. Review status: criteria provided, single submitter. Criteria: ACMG Guidelines, 2015. Collection method: clinical testing. Allele origin: germline.

NM_030912.3(TRIM8):c.954C>T (p.Ser318=)

Gene: TRIM8 (tripartite motif containing 8; plus strand). Cytogenetic location: 10q24.32.
Variant type: single nucleotide variant.
Coding change: c.954C>T on transcript NM_030912.3 (MANE Select); coding-DNA position 954, C replaced by T.
Protein change: p.Ser318=; no amino-acid change (serine 318 retained).
Molecular consequence: synonymous variant. On other transcripts: non-coding transcript variant (1).
Genome position (GRCh38, 1-based): chr10:102,656,291, C>T. VCF-style: chr10-102656291-C-T. GRCh37 (hg19) VCF-style: chr10-104416048-C-T.
Other names: c.858C>T, p.Ser286= (NM_001345950.1).
Identifiers: ClinVar variation 1651501 (VCV001651501.15), dbSNP rs151273808, ClinGen allele CA5668226.
Genomic context (GRCh38, chr10:102,656,291, plus strand): 5'-ATGCCTCCTCACAGCAGATGCCCCGTCCACTGCCCCCAGGACCCAGACCTGCACGAGCAG[C>T]AGCCTTTCCCCCACTAAGATCGGCCACCTGAACTCCAAGCTCTTCCTGAACGAAGTGGCC-3'
Protein context (NP_112174.2, residues 308-328): LMDRTQTCTS[Ser318=]SLSPTKIGHL